The following is an entry in ClinVar:

NM_001254.4(CDC6):c.1226C>A (p.Thr409Asn)

Gene: CDC6 (cell division cycle 6; plus strand). Cytogenetic location: 17q21.2.
Variant type: single nucleotide variant.
Coding change: c.1226C>A on transcript NM_001254.4 (MANE Select); coding-DNA position 1226, C replaced by A.
Protein change: p.Thr409Asn; replaces threonine 409 with asparagine.
Molecular consequence: missense variant.
Genome position (GRCh38, 1-based): chr17:40,296,744, C>A. VCF-style: chr17-40296744-C-A. GRCh37 (hg19) VCF-style: chr17-38452996-C-A.
Other names: short protein forms T409N.
Identifiers: ClinVar variation 3002915 (VCV003002915.3), dbSNP rs779231529, ClinGen allele CA8542090.

ClinVar aggregate classification (germline): Uncertain significance (1 of 4 stars; one submission).

Allele frequency attached by ClinVar (database versions not stated): gnomAD 0.00001; gnomAD exomes 0.00001; TOPMed 0.00001.
gnomAD v4.1: 8 of 1,605,176 alleles (0.0005%); highest among the groups gnomAD compares: Admixed American, 0.013%; no homozygotes.

Submission:

Labcorp Genetics (formerly Invitae), Labcorp
Classification: Uncertain significance. Last evaluated: 2025-01-06. Review status: criteria provided, single submitter. Criteria: Invitae Variant Classification Sherloc (09022015). Collection method: clinical testing. Allele origin: germline.
Comment: This sequence change replaces threonine, which is neutral and polar, with asparagine, which is neutral and polar, at codon 409 of the CDC6 protein (p.Thr409Asn). This variant is present in population databases (rs779231529, gnomAD 0.02%). This variant has not been reported in the literature in individuals affected with CDC6-related conditions. ClinVar contains an entry for this variant (Variation ID: 3002915). An algorithm developed to predict the effect of missense changes on protein structure and function (PolyPhen-2) suggests that this variant is likely to be tolerated. In summary, the available evidence is currently insufficient to determine the role of this variant in disease. Therefore, it has been classified as a Variant of Uncertain Significance.